The following is an entry in ClinVar:

ClinVar aggregate classification (germline): Uncertain significance (1 of 4 stars; one submission).

Conditions:
Neurodevelopmental disorder with parkinsonism or other movement abnormalities. Identifiers: MedGen CN380875, MONDO:0980990, OMIM 621506.
Vici syndrome (VICIS). Identifiers: Orphanet 1493, MedGen C1855772, MONDO:0009452, OMIM 242840.

Submission:

Juno Genomics, Hangzhou Juno Genomics, Inc
Classification: Uncertain significance for Neurodevelopmental disorder with parkinsonism or other movement abnormalities; Vici syndrome. Review status: criteria provided, single submitter. Criteria: ACMG Guidelines, 2015. Collection method: clinical testing. Allele origin: germline.
Comment: Absent from controls (or at extremely low frequency if recessive) in Genome Aggregation Database.;Protein length changes due to in-frame deletions/insertions in a non-repeat region or stop-loss variants.

NM_020964.3(EPG5):c.6173_6175del (p.Leu2058del)

Gene: EPG5 (ectopic P-granules 5 autophagy tethering factor; minus strand). Cytogenetic location: 18q12.3.
Variant type: Deletion.
Coding change: c.6173_6175del on transcript NM_020964.3 (MANE Select); coding-DNA positions 6173 to 6175, 3 bases deleted (TGC; older notation c.6173_6175delTGC).
Protein change: p.Leu2058del; deletes leucine 2058.
Molecular consequence: inframe deletion.
Genome position (GRCh38, 1-based): chr18:45,870,617-45,870,619, GCA deleted on the plus strand (TGC on the coding strand, the reverse complement: EPG5 is on the minus strand); deleting any 3 consecutive bases within chr18:45,870,617-45,870,620 gives the same sequence; the c. name uses the placement nearest the transcript's 3' end. VCF-style (leftmost placement, unchanged base first): chr18-45870616-GGCA-G. GRCh37 (hg19) VCF-style: chr18-43450581-GGCA-G.
Other names: c.6173_6175del, p.Leu2058del (NM_001410858.1); c.6170_6172del, p.Leu2057del (NM_001410859.1); short protein forms L2057del, L2058del.
Identifiers: ClinVar variation 5018912 (VCV005018912.2).